The following is an entry in ClinVar:

ClinVar aggregate classification (germline): Uncertain significance (1 of 4 stars; one submission).

Submission:

Greenwood Genetic Center Diagnostic Laboratories, Greenwood Genetic Center
Classification: Uncertain significance. Last evaluated: 2025-02-04. Review status: criteria provided, single submitter. Criteria: ACMG Guidelines, 2015. Collection method: clinical testing. Allele origin: germline.
Comment: Gene of Uncertain Significance

NM_014892.5(SCAF8):c.797G>A (p.Arg266Lys)

Gene: SCAF8 (SR-related CTD associated factor 8; plus strand). Cytogenetic location: 6q25.2.
Variant type: single nucleotide variant.
Coding change: c.797G>A on transcript NM_014892.5 (MANE Select); coding-DNA position 797, G replaced by A.
Protein change: p.Arg266Lys; replaces arginine 266 with lysine.
Molecular consequence: missense variant.
Genome position (GRCh38, 1-based): chr6:154,803,557, G>A. VCF-style: chr6-154803557-G-A. GRCh37 (hg19) VCF-style: chr6-155124691-G-A.
Other names: c.1031G>A, p.Arg344Lys (NM_001286188.1); c.995G>A, p.Arg332Lys (NM_001286189.1); c.932G>A, p.Arg311Lys (NM_001286194.1); c.797G>A, p.Arg266Lys (NM_001286199.2); short protein forms R266K, R311K, R332K, R344K.
Identifiers: ClinVar variation 4851650 (VCV004851650.1).